The following is an entry in ClinVar:

NM_000535.7(PMS2):c.2569G>C (p.Gly857Arg)

Gene: PMS2 (PMS1 homolog 2, mismatch repair system component; minus strand). Cytogenetic location: 7p22.1.
Variant type: single nucleotide variant.
Coding change: c.2569G>C on transcript NM_000535.7 (MANE Select); coding-DNA position 2569, G replaced by C.
Protein change: p.Gly857Arg; replaces glycine 857 with arginine.
Molecular consequence: missense variant. On other transcripts: non-coding transcript variant (1).
Genome position (GRCh38, 1-based): chr7:5,973,419, C>G on the plus strand (G>C on the coding strand, the complement: PMS2 is on the minus strand). VCF-style: chr7-5973419-C-G. GRCh37 (hg19) VCF-style: chr7-6013050-C-G.
Other names: c.2164G>C, p.Gly722Arg (NM_001322003.2, NM_001322004.2, NM_001322005.2); c.2413G>C, p.Gly805Arg (NM_001322006.2); c.2251G>C, p.Gly751Arg (NM_001322007.2, NM_001322008.2); c.2197G>C, p.Gly733Arg (NM_001322009.2); c.2008G>C, p.Gly670Arg (NM_001322010.2); c.1636G>C, p.Gly546Arg (NM_001322011.2, NM_001322012.2); c.1996G>C, p.Gly666Arg (NM_001322013.2); c.2602G>C, p.Gly868Arg (NM_001322014.2); and 1 more; short protein forms G857R, G546R, G666R, G754R, G868R, G670R, G733R, G722R.
Identifiers: ClinVar variation 484328 (VCV000484328.5), dbSNP rs750820328, ClinGen allele CA048891.

ClinVar aggregate classification (germline): Uncertain significance (1 of 4 stars; one submission).

Conditions:
Hereditary cancer-predisposing syndrome. Also called: Neoplastic Syndromes, Hereditary; Tumor predisposition; Hereditary Cancer Syndrome; Hereditary neoplastic syndrome. Identifiers: Orphanet 140162, MedGen C0027672, MeSH D009386, MONDO:0015356.

Allele frequency attached by ClinVar (database versions not stated): ExAC below 0.00001.

Submission:

Ambry Genetics
Classification: Uncertain significance for Hereditary cancer-predisposing syndrome. Last evaluated: 2024-02-29. Review status: criteria provided, single submitter. Criteria: Ambry Variant Classification Scheme 2023. Collection method: clinical testing. Allele origin: germline.
Comment: The p.G857R variant (also known as c.2569G>C), located in coding exon 15 of the PMS2 gene, results from a G to C substitution at nucleotide position 2569. The glycine at codon 857 is replaced by arginine, an amino acid with dissimilar properties. This amino acid position is poorly conserved in available vertebrate species. In addition, this alteration is predicted to be tolerated by in silico analysis. Based on the available evidence, the clinical significance of this alteration remains unclear.